The following is an entry in ClinVar:

ClinVar aggregate classification (germline): Likely pathogenic (1 of 4 stars; one submission).

Submission:

Quest Diagnostics Nichols Institute San Juan Capistrano
Classification: Likely pathogenic. Last evaluated: 2025-06-24. Review status: criteria provided, single submitter. Criteria: Quest Diagnostics criteria. Collection method: clinical testing. Allele origin: unknown.
Comment: The BRCA2 c.5272_5278del (p.Asn1758Glnfs*17) variant alters the translational reading frame of the BRCA2 mRNA and is predicted to cause the premature termination of BRCA2 protein synthesis. This variant has not been reported in individuals with BRCA2-related conditions in the published literature. This variant has not been reported in large, multi-ethnic general populations (Genome Aggregation Database). Based on the available information, this variant is classified as likely pathogenic.

NM_000059.4(BRCA2):c.5272_5278del (p.Asn1758fs)

Gene: BRCA2 (BRCA2 DNA repair associated; plus strand). Cytogenetic location: 13q13.1.
Variant type: Deletion.
Coding change: c.5272_5278del on transcript NM_000059.4 (MANE Select); coding-DNA positions 5272 to 5278, 7 bases deleted (AATGATT; older notation c.5272_5278delAATGATT).
Protein change: p.Asn1758fs; shifts the reading frame from asparagine 1758.
Molecular consequence: frameshift variant. On other transcripts: non-coding transcript variant (1), intron variant (2).
Genome position (GRCh38, 1-based): chr13:32,339,627-32,339,633, AATGATT deleted; deleting any 7 consecutive bases within chr13:32,339,626-32,339,633 gives the same sequence; the c. name uses the placement nearest the transcript's 3' end. VCF-style (leftmost placement, unchanged base first): chr13-32339625-ATAATGAT-A. GRCh37 (hg19) VCF-style: chr13-32913762-ATAATGAT-A.
Other names: c.5272_5278delAATGATT, p.Asn1758Glnfs (NM_000059.3); c.5272_5278del, p.Asn1758fs (NM_001406719.1, NM_001406720.1, NM_001432077.1); c.1910-4931_1910-4925del (NM_001406721.1); c.425-4931_425-4925del (NM_001406722.1); short protein forms N1758fs.
Identifiers: ClinVar variation 4532827 (VCV004532827.1).